The following is an entry in ClinVar:

NM_001242.5(CD27):c.280C>G (p.Arg94Gly)

Genes: CD27 (CD27 molecule; plus strand), CD27-AS1 (CD27 antisense RNA 1; minus strand). Cytogenetic location: 12p13.31.
Variant type: single nucleotide variant.
Coding change: c.280C>G on transcript NM_001242.5 (MANE Select); coding-DNA position 280, C replaced by G.
Protein change: p.Arg94Gly; replaces arginine 94 with glycine.
Molecular consequence: missense variant.
Genome position (GRCh38, 1-based): chr12:6,450,184, C>G. VCF-style: chr12-6450184-C-G. GRCh37 (hg19) VCF-style: chr12-6559350-C-G.
Other names: c.373C>G, p.Arg125Gly (NM_001413263.1); c.253C>G, p.Arg85Gly (NM_001413264.1); c.-171C>G (NM_001413266.1, NM_001413267.1, NM_001413268.1); short protein forms R125G, R94G, R85G.
Identifiers: ClinVar variation 1984069 (VCV001984069.4), dbSNP rs570614972, ClinGen allele CA383549303.
Genomic context (GRCh38, chr12:6,450,184, plus strand): 5'-TCTCCACAGGTCTGAGTGTCCTATGCTCCCTGGGCCTCTCTTCCCCCAGGTCTTCTCGTT[C>G]GCAACTGCACCATCACTGCCAATGCTGAGTGTGCCTGTCGCAATGGCTGGCAGTGCAGGG-3'
Protein context (NP_001233.2, residues 84-104): CRHCNSGLLV[Arg94Gly]NCTITANAEC

ClinVar aggregate classification (germline): Uncertain significance (1 of 4 stars; one submission).

Conditions:
Lymphoproliferative syndrome 2 (LPFS2). Also called: Combined immunodeficiency due to CD27 deficiency; CD27 DEFICIENCY. Identifiers: Orphanet 238505, MedGen C3554540, MONDO:0014054, OMIM 615122.

gnomAD v4.1: 3 of 1,612,286 alleles (0.00019%); highest among the groups gnomAD compares: Admixed American, 0.0017%; no homozygotes.

Submission:

Labcorp Genetics (formerly Invitae), Labcorp
Classification: Uncertain significance for Lymphoproliferative syndrome 2. Last evaluated: 2025-10-02. Review status: criteria provided, single submitter. Criteria: Invitae Variant Classification Sherloc (09022015). Collection method: clinical testing. Allele origin: germline.
Comment: This sequence change replaces arginine, which is basic and polar, with glycine, which is neutral and non-polar, at codon 94 of the CD27 protein (p.Arg94Gly). This variant is present in population databases (no rsID available, gnomAD 0.0009%). This variant has not been reported in the literature in individuals affected with CD27-related conditions. ClinVar contains an entry for this variant (Variation ID: 1984069). Invitae Evidence Modeling of protein sequence and biophysical properties (such as structural, functional, and spatial information, amino acid conservation, physicochemical variation, residue mobility, and thermodynamic stability) indicates that this missense variant is not expected to disrupt CD27 protein function with a negative predictive value of 80%. In summary, the available evidence is currently insufficient to determine the role of this variant in disease. Therefore, it has been classified as a Variant of Uncertain Significance.